The following is an entry in ClinVar:

NM_153766.3(KCNJ1):c.*507C>T

Gene: KCNJ1 (potassium inwardly rectifying channel subfamily J member 1; minus strand). Cytogenetic location: 11q24.3.
Variant type: single nucleotide variant.
Coding change: c.*507C>T on transcript NM_153766.3 (MANE Select); 507 bases downstream of the stop codon, C replaced by T.
Molecular consequence: 3 prime UTR variant.
Genome position (GRCh38, 1-based): chr11:128,838,618, G>A on the plus strand (C>T on the coding strand, the complement: KCNJ1 is on the minus strand). VCF-style: chr11-128838618-G-A. GRCh37 (hg19) VCF-style: chr11-128708513-G-A.
Other names: c.*507C>T (NM_000220.6, NM_153764.3, NM_153765.3 and 1 more transcripts).
Identifiers: ClinVar variation 303560 (VCV000303560.5), dbSNP rs142091896, ClinGen allele CA10630370.

ClinVar aggregate classification (germline): Likely benign (1 of 4 stars; one submission).

Conditions:
Bartter disease type 2. Also called: HYPERPROSTAGLANDIN E SYNDROME 2; Bartter syndrome, type 2, antenatal; HYPOKALEMIC ALKALOSIS WITH HYPERCALCIURIA 2, ANTENATAL. Identifiers: Orphanet 112, Orphanet 620220, MedGen C1855849, MONDO:0009424, OMIM 241200.

Allele frequency attached by ClinVar (database versions not stated): gnomAD exomes 0.00036; TOPMed 0.00228; gnomAD 0.00239 and 0.00248; 1000 Genomes Project 0.00280; 1000 Genomes Project 30x 0.00281.
gnomAD v4.1: 348 of 155,394 alleles (0.22%); highest among the groups gnomAD compares: African/African-American, 0.74%; no homozygotes.

Submission:

Illumina Laboratory Services, Illumina
Classification: Likely benign for Bartter disease type 2. Last evaluated: 2018-01-13. Review status: criteria provided, single submitter. Criteria: ICSL Variant Classification Criteria 13 December 2019. Collection method: clinical testing. Allele origin: germline.
Comment: This variant was observed in the ICSL laboratory as part of a predisposition screen in an ostensibly healthy population. It had not been previously curated by ICSL or reported in the Human Gene Mutation Database (HGMD: prior to June 1st, 2018), and was therefore a candidate for classification through an automated scoring system. Utilizing variant allele frequency, disease prevalence and penetrance estimates, and inheritance mode, an automated score was calculated to assess if this variant is too frequent to cause the disease. Based on the score and internal cut-off values, a variant classified as likely benign is not then subjected to further curation. The score for this variant resulted in a classification of likely benign for this disease.